The following is an entry in ClinVar:

ClinVar aggregate classification (germline): Benign (1 of 4 stars; one submission).

Allele frequency attached by ClinVar (database versions not stated): 1000 Genomes Project 30x 0.00468; ESP Exome Variant Server 0.00646; 1000 Genomes Project 0.00879.
gnomAD v4.1: 18,823 of 1,571,796 alleles (1.2%); highest among the groups gnomAD compares: Non-Finnish European, 1.4%; 757 homozygotes.

Submission:

CeGaT Center for Human Genetics Tuebingen
Classification: Benign. Last evaluated: 2026-05-01. Review status: criteria provided, single submitter. Criteria: CeGaT Center For Human Genetics Tuebingen Variant Classification Criteria Version 2. Collection method: clinical testing. Allele origin: germline. Affected: yes. Observed: 23 variant alleles.
Comment: MUC5B: BP4, BS1, BS2

NM_002458.3(MUC5B):c.10365C>G (p.His3455Gln)

Genes: MUC5B (mucin 5B, oligomeric mucus/gel-forming; plus strand), MUC5B-AS1 (MUC5B antisense RNA 1; minus strand). Cytogenetic location: 11p15.5.
Variant type: single nucleotide variant.
Coding change: c.10365C>G on transcript NM_002458.3 (MANE Select); coding-DNA position 10365, C replaced by G.
Protein change: p.His3455Gln; replaces histidine 3455 with glutamine.
Molecular consequence: missense variant.
Genome position (GRCh38, 1-based): chr11:1,247,245, C>G. VCF-style: chr11-1247245-C-G. GRCh37 (hg19) VCF-style: chr11-1268475-C-G.
Other names: short protein forms H3455Q.
Identifiers: ClinVar variation 2641268 (VCV002641268.24), dbSNP rs202164311, ClinGen allele CA5807309.